The following is an entry in ClinVar:

ClinVar aggregate classification (germline): Uncertain significance (1 of 4 stars; one submission).

Conditions:
Hereditary breast ovarian cancer syndrome. Also called: Hereditary breast and ovarian cancer; Hereditary breast and ovarian cancer syndrome; Breast and ovarian cancer; BRCA1- and BRCA2-Associated Hereditary Breast and Ovarian Cancer; Hereditary breast and/or ovarian cancer syndrome; Hereditary breast and ovarian cancer syndrome (HBOC). Identifiers: Orphanet 145, MedGen C0677776, MeSH D061325, MONDO:0003582. Disease mechanism: loss of function.

Allele frequency attached by ClinVar (database versions not stated): gnomAD exomes below 0.00001.
gnomAD v4.1: 1 of 1,595,240 alleles (0.000063%); highest among the groups gnomAD compares: Non-Finnish European, 0.000086%; no homozygotes.

Submission:

Labcorp Genetics (formerly Invitae), Labcorp
Classification: Uncertain significance for Hereditary breast ovarian cancer syndrome. Last evaluated: 2022-12-31. Review status: criteria provided, single submitter. Criteria: Invitae Variant Classification Sherloc (09022015). Collection method: clinical testing. Allele origin: germline.
Comment: In summary, the available evidence is currently insufficient to determine the role of this variant in disease. Therefore, it has been classified as a Variant of Uncertain Significance. Experimental studies and prediction algorithms are not available or were not evaluated, and the functional significance of this variant is currently unknown. This variant has not been reported in the literature in individuals affected with BRCA1-related conditions. This variant is not present in population databases (gnomAD no frequency). This variant occurs in a non-coding region of the BRCA1 gene. It does not change the encoded amino acid sequence of the BRCA1 protein.

NM_007294.4(BRCA1):c.-15T>C

Gene: BRCA1 (BRCA1 DNA repair associated; minus strand). Cytogenetic location: 17q21.31.
Variant type: single nucleotide variant.
Coding change: c.-15T>C on transcript NM_007294.4 (MANE Select); 15 bases upstream of the start codon, T replaced by C.
Molecular consequence: 5 prime UTR variant. On other transcripts: non-coding transcript variant (1).
Genome position (GRCh38, 1-based): chr17:43,124,111, A>G on the plus strand (T>C on the coding strand, the complement: BRCA1 is on the minus strand). VCF-style: chr17-43124111-A-G. GRCh37 (hg19) VCF-style: chr17-41276128-A-G.
Other names: c.-15T>C (NM_001407582.1, NM_001407583.1, NM_001407587.1 and 169 more transcripts); c.-203T>C (NM_001407571.1, NM_001408478.1, NM_001408479.1 and 42 more transcripts); c.-275T>C (NM_001408452.1, NM_001408462.1, NM_001408463.1 and 22 more transcripts); c.-102T>C (NM_001408454.1, NM_001408459.1, NM_001408460.1 and 21 more transcripts); c.-272T>C (NM_001408455.1, NM_001408456.1, NM_001408468.1 and 11 more transcripts); c.-276T>C (NM_001408465.1, NM_001407695.1); c.-348T>C (NM_001408482.1); c.-319T>C (NM_001408492.1, NM_001407889.1); and 8 more.
Identifiers: ClinVar variation 2099706 (VCV002099706.4), dbSNP rs2055750656, ClinGen allele CA2580093991.
Genomic context (GRCh38, chr17:43,124,111, plus strand): 5'-TAATGACATTTTGTACTTCTTCAACGCGAAGAGCAGATAAATCCATTTCTTTCTGTTCCA[A>G]TGAACTTTAACACATTAGAAAAACATATATATATATCTTTTTAAAAGGTTTATAAAATGA-3'